The following is an entry in ClinVar:

NM_016616.5(NME8):c.1341C>A (p.Phe447Leu)

Gene: NME8 (NME/NM23 family member 8; plus strand). Cytogenetic location: 7p14.1.
Variant type: single nucleotide variant.
Coding change: c.1341C>A on transcript NM_016616.5 (MANE Select); coding-DNA position 1341, C replaced by A.
Protein change: p.Phe447Leu; replaces phenylalanine 447 with leucine.
Molecular consequence: missense variant.
Genome position (GRCh38, 1-based): chr7:37,888,370, C>A. VCF-style: chr7-37888370-C-A. GRCh37 (hg19) VCF-style: chr7-37927972-C-A.
Other names: short protein forms F447L.
Identifiers: ClinVar variation 578403 (VCV000578403.8), dbSNP rs201867197, ClinGen allele CA4222503.

ClinVar aggregate classification (germline): Uncertain significance. Review status: criteria provided, multiple submitters, no conflicts (2 of 4 stars). 2 submissions from 2 submitters: Uncertain significance (2). Last evaluated 2025-12-16.

Conditions:
Primary ciliary dyskinesia 6. Also called: Primary Ciliary Dyskinesia 6: TXNDC3-Related Primary Ciliary Dyskinesia. Identifiers: Orphanet 244, MedGen C1970506, MONDO:0012571, OMIM 610852.
Primary ciliary dyskinesia. Also called: Ciliary dyskinesia. Identifiers: Orphanet 244, MedGen C0008780, MONDO:0016575, HP:0012265.

Allele frequency attached by ClinVar (database versions not stated): gnomAD exomes 0.00004; ExAC 0.00005; gnomAD 0.00006; TOPMed 0.00008; 1000 Genomes Project 30x 0.00016; 1000 Genomes Project 0.00020.
gnomAD v4.1: 140 of 1,613,400 alleles (0.0087%); highest among the groups gnomAD compares: Non-Finnish European, 0.011%; no homozygotes.

Submissions (2):

Labcorp Genetics (formerly Invitae), Labcorp
Classification: Uncertain significance for Primary ciliary dyskinesia 6. Last evaluated: 2025-12-16. Review status: criteria provided, single submitter. Criteria: Invitae Variant Classification Sherloc (09022015). Collection method: clinical testing. Allele origin: germline.
Comment: This sequence change replaces phenylalanine, which is neutral and non-polar, with leucine, which is neutral and non-polar, at codon 447 of the NME8 protein (p.Phe447Leu). This variant is present in population databases (rs201867197, gnomAD 0.01%). This variant has not been reported in the literature in individuals affected with NME8-related conditions. ClinVar contains an entry for this variant (Variation ID: 578403). Invitae Evidence Modeling of protein sequence and biophysical properties (such as structural, functional, and spatial information, amino acid conservation, physicochemical variation, residue mobility, and thermodynamic stability) has been performed for this missense variant. However, the output from this modeling did not meet the statistical confidence thresholds required to predict the impact of this variant on NME8 protein function. In summary, the available evidence is currently insufficient to determine the role of this variant in disease. Therefore, it has been classified as a Variant of Uncertain Significance.

Ambry Genetics
Classification: Uncertain significance for Primary ciliary dyskinesia. Last evaluated: 2025-10-22. Review status: criteria provided, single submitter. Criteria: Ambry Variant Classification Scheme 2023. Collection method: clinical testing. Allele origin: germline.